The following is an entry in ClinVar:

NM_000051.4(ATM):c.8438_8439insCT (p.Glu2814fs)

Genes: ATM (ATM serine/threonine kinase; plus strand), C11orf65 (chromosome 11 open reading frame 65; minus strand). Cytogenetic location: 11q22.3.
Variant type: Insertion.
Coding change: c.8438_8439insCT on transcript NM_000051.4 (MANE Select); coding-DNA positions 8438 to 8439, CT inserted.
Protein change: p.Glu2814fs; shifts the reading frame from glutamic acid 2814.
Molecular consequence: frameshift variant. On other transcripts: intron variant (2).
Genome position: GRCh38 VCF-style: chr11-108345761-T-TTC. GRCh37 (hg19) VCF-style: chr11-108216488-T-TTC.
Other names: c.8438_8439insCT, p.Glu2814fs (NM_001351834.2); c.641-36691_641-36690insAG (NM_001330368.2); c.695-10470_695-10469insAG (NM_001351110.2); short protein forms E2814fs.
Identifiers: ClinVar variation 822418 (VCV000822418.6), dbSNP rs1591264194, ClinGen allele CA915948328.
Genomic context (GRCh38, chr11:108,345,761, plus strand): 5'-ACACAATATTGAAAAATAATTATATATATTCTCTATTTAAAGGAGGTGCAAAAAAAGTCT[T>TTC]TTGAAGAGAAATATGAAGTCTTCATGGATGTTTGCCAAAATTTTCAACCAGTTTTCCGTT-3'

ClinVar aggregate classification (germline): Pathogenic (1 of 4 stars; one submission).

Conditions:
Hereditary cancer-predisposing syndrome. Also called: Tumor predisposition; Neoplastic Syndromes, Hereditary; Hereditary Cancer Syndrome; Hereditary neoplastic syndrome. Identifiers: Orphanet 140162, MedGen C0027672, MeSH D009386, MONDO:0015356.

Submission:

Ambry Genetics
Classification: Pathogenic for Hereditary cancer-predisposing syndrome. Last evaluated: 2019-08-13. Review status: criteria provided, single submitter. Criteria: Ambry Variant Classification Scheme 2023. Collection method: clinical testing. Allele origin: germline.
Comment: The c.8438_8439insCT pathogenic mutation, located in coding exon 57 of the ATM gene, results from an insertion of two nucleotides at position 8438, causing a translational frameshift with a predicted alternate stop codon (p.E2814Lfs*44). This alteration is expected to result in loss of function by premature protein truncation or nonsense-mediated mRNA decay. As such, this alteration is interpreted as a disease-causing mutation.